The following is an entry in ClinVar:

NM_022124.6(CDH23):c.6173C>A (p.Thr2058Asn)

Gene: CDH23 (cadherin related 23; plus strand). Cytogenetic location: 10q22.1.
Variant type: single nucleotide variant.
Coding change: c.6173C>A on transcript NM_022124.6 (MANE Select); coding-DNA position 6173, C replaced by A.
Protein change: p.Thr2058Asn; replaces threonine 2058 with asparagine.
Molecular consequence: missense variant.
Genome position (GRCh38, 1-based): chr10:71,791,255, C>A. VCF-style: chr10-71791255-C-A. GRCh37 (hg19) VCF-style: chr10-73551012-C-A.
Other names: c.6173C>A (NM_022124.5); short protein forms T2058N.
Identifiers: ClinVar variation 2731945 (VCV002731945.17), dbSNP rs558281905, ClinGen allele CA5546018.

ClinVar aggregate classification (germline): Conflicting classifications of pathogenicity. Review status: criteria provided, conflicting classifications (1 of 4 stars). 3 submissions from 3 submitters: Uncertain significance (2); Likely benign (1). Last evaluated 2025-06-17.

Conditions:
Inborn genetic diseases. Identifiers: MedGen C0950123, MeSH D030342.

Allele frequency attached by ClinVar (database versions not stated): gnomAD 0.00001; gnomAD exomes 0.00001; TOPMed 0.00001; ExAC 0.00011; 1000 Genomes Project 30x 0.00016; 1000 Genomes Project 0.00020.
gnomAD v4.1: 24 of 1,613,956 alleles (0.0015%); highest among the groups gnomAD compares: South Asian, 0.022%; no homozygotes.

Submissions (3):

Ambry Genetics
Classification: Uncertain significance for Inborn genetic diseases. Last evaluated: 2025-06-17. Review status: criteria provided, single submitter. Criteria: Ambry Variant Classification Scheme 2023. Collection method: clinical testing. Allele origin: germline.

Labcorp Genetics (formerly Invitae), Labcorp
Classification: Likely benign. Last evaluated: 2025-01-30. Review status: criteria provided, single submitter. Criteria: Invitae Variant Classification Sherloc (09022015). Collection method: clinical testing. Allele origin: germline.

CeGaT Center for Human Genetics Tuebingen
Classification: Uncertain significance. Last evaluated: 2024-12-01. Review status: criteria provided, single submitter. Criteria: CeGaT Center For Human Genetics Tuebingen Variant Classification Criteria Version 2. Collection method: clinical testing. Allele origin: germline. Affected: yes. Observed: 1 variant allele.
Comment: CDH23: PM2, BP4